The following is an entry in ClinVar:

NM_001035.3(RYR2):c.7624G>T (p.Ala2542Ser)

Gene: RYR2 (ryanodine receptor 2; plus strand). Cytogenetic location: 1q43.
Variant type: single nucleotide variant.
Coding change: c.7624G>T on transcript NM_001035.3 (MANE Select); coding-DNA position 7624, G replaced by T.
Protein change: p.Ala2542Ser; replaces alanine 2542 with serine.
Molecular consequence: missense variant.
Genome position (GRCh38, 1-based): chr1:237,649,988, G>T. VCF-style: chr1-237649988-G-T. GRCh37 (hg19) VCF-style: chr1-237813288-G-T.
Other names: short protein forms A2542S.
Identifiers: ClinVar variation 947085 (VCV000947085.13), dbSNP rs373602064, ClinGen allele CA087437.
Genomic context (GRCh38, chr1:237,649,988, plus strand): 5'-ACAGCCGTCTTGCCATTGTTAACAAGATGTGCTCCTCTCTTTGCTGGCACAGAGCACCAC[G>T]CTTCTCTCATTGACTCATTACTTCATACTGTGTATAGACTTTCTAAGGGCTGTTCACTTA-3'
Protein context (NP_001026.2, residues 2532-2552): APLFAGTEHH[Ala2542Ser]SLIDSLLHTV

ClinVar aggregate classification (germline): Conflicting classifications of pathogenicity. Review status: criteria provided, conflicting classifications (1 of 4 stars). 3 submissions from 3 submitters: Uncertain significance (2); Likely benign (1). Last evaluated 2025-10-22.

Conditions:
Cardiovascular phenotype. Identifiers: MedGen CN230736.
Catecholaminergic polymorphic ventricular tachycardia (CVPT). Also called: Catecholamine-induced polymorphic ventricular tachycardia. Identifiers: Orphanet 3286, MedGen C5574922, MONDO:0017990.
Catecholaminergic polymorphic ventricular tachycardia 1. Also called: VENTRICULAR TACHYCARDIA, CATECHOLAMINERGIC POLYMORPHIC, 1, WITH OR WITHOUT ATRIAL DYSFUNCTION AND/OR DILATED CARDIOMYOPATHY; VENTRICULAR TACHYCARDIA, STRESS-INDUCED POLYMORPHIC 1; RYR2-Related Catecholaminergic Polymorphic Ventricular Tachycardia. Identifiers: Orphanet 3286, MedGen C1631597, MONDO:0011484, OMIM 604772.

Allele frequency attached by ClinVar (database versions not stated): gnomAD 0.00003; TOPMed 0.00003; ESP Exome Variant Server 0.00016.
gnomAD v4.1: 9 of 1,613,850 alleles (0.00056%); highest among the groups gnomAD compares: African/African-American, 0.011%; no homozygotes.

Submissions (3):

Labcorp Genetics (formerly Invitae), Labcorp
Classification: Likely benign for Catecholaminergic polymorphic ventricular tachycardia 1. Last evaluated: 2025-10-22. Review status: criteria provided, single submitter. Criteria: Invitae Variant Classification Sherloc (09022015). Collection method: clinical testing. Allele origin: germline.

Ambry Genetics
Classification: Uncertain significance for Cardiovascular phenotype. Last evaluated: 2025-02-13. Review status: criteria provided, single submitter. Criteria: Ambry Variant Classification Scheme 2023. Collection method: clinical testing. Allele origin: germline.
Comment: The p.A2542S variant (also known as c.7624G>T), located in coding exon 50 of the RYR2 gene, results from a G to T substitution at nucleotide position 7624. The alanine at codon 2542 is replaced by serine, an amino acid with similar properties. This amino acid position is highly conserved in available vertebrate species. In addition, the in silico prediction for this alteration is inconclusive. Based on the available evidence, the clinical significance of this variant remains unclear.

All of Us Research Program, National Institutes of Health
Classification: Uncertain significance for Catecholaminergic polymorphic ventricular tachycardia. Last evaluated: 2023-11-30. Review status: criteria provided, single submitter. Criteria: ACMG Guidelines, 2015. Collection method: clinical testing. Allele origin: germline. Inheritance: Autosomal dominant inheritance. Observed: 3 variant alleles, 3 heterozygotes.
Comment: This study involves interpretation of variants in research participants for the purpose of population health screening. Participant phenotype was not available at the time of variant classification. Additional details can be found in publication PMID: 35346344, PMCID: PMC8962531